The following is an entry in ClinVar:

NM_001033561.2(PHF12):c.583G>A (p.Val195Ile)

Gene: PHF12 (PHD finger protein 12; minus strand). Cytogenetic location: 17q11.2.
Variant type: single nucleotide variant.
Coding change: c.583G>A on transcript NM_001033561.2 (MANE Select); coding-DNA position 583, G replaced by A.
Protein change: p.Val195Ile; replaces valine 195 with isoleucine.
Molecular consequence: missense variant.
Genome position (GRCh38, 1-based): chr17:28,924,041, C>T on the plus strand (G>A on the coding strand, the complement: PHF12 is on the minus strand). VCF-style: chr17-28924041-C-T. GRCh37 (hg19) VCF-style: chr17-27251059-C-T.
Other names: c.583G>A, p.Val195Ile (NM_001290131.2, NM_020889.3); short protein forms V195I.
Identifiers: ClinVar variation 3031089 (VCV003031089.2), dbSNP rs2040220044, ClinGen allele CA398444986.

ClinVar aggregate classification (germline): Uncertain significance (0 of 4 stars; one submission).

Conditions:
PHF12-related disorder. Also called: PHF12-related condition.

Allele frequency attached by ClinVar (database versions not stated): gnomAD exomes below 0.00001.
gnomAD v4.1: 1 of 1,614,204 alleles (0.000062%); highest among the groups gnomAD compares: East Asian, 0.0022%; no homozygotes.

Submission:

PreventionGenetics, part of Exact Sciences
Classification: Uncertain significance for PHF12-related condition. Last evaluated: 2023-12-15. Review status: no assertion criteria provided. Collection method: clinical testing. Allele origin: germline.
Comment: The PHF12 c.583G>A variant is predicted to result in the amino acid substitution p.Val195Ile. To our knowledge, this variant has not been reported in the literature or in a large population database, indicating this variant is rare. At this time, the clinical significance of this variant is uncertain due to the absence of conclusive functional and genetic evidence.